The following is an entry in ClinVar:

NM_019888.3(MC3R):c.295G>T (p.Ala99Ser)

Gene: MC3R (melanocortin 3 receptor; plus strand). Cytogenetic location: 20q13.2.
Variant type: single nucleotide variant.
Coding change: c.295G>T on transcript NM_019888.3 (MANE Select); coding-DNA position 295, G replaced by T.
Protein change: p.Ala99Ser; replaces alanine 99 with serine.
Molecular consequence: missense variant.
Genome position (GRCh38, 1-based): chr20:56,249,138, G>T. VCF-style: chr20-56249138-G-T. GRCh37 (hg19) VCF-style: chr20-54824194-G-T.
Other names: short protein forms A99S.
Identifiers: ClinVar variation 4989496 (VCV004989496.1).

ClinVar aggregate classification (germline): Uncertain significance (1 of 4 stars; one submission).

Conditions:
MC3R-related disorder. Also called: MC3R-related condition.

gnomAD v4.1: 3 of 1,613,884 alleles (0.00019%); highest among the groups gnomAD compares: African/African-American, 0.0027%; no homozygotes.

Submission:

PreventionGenetics, part of Exact Sciences
Classification: Uncertain significance for MC3R-related condition. Last evaluated: 2026-03-23. Review status: criteria provided, single submitter. Criteria: ACMG Guidelines, 2015. Collection method: clinical testing. Allele origin: germline.
Comment: The MC3R c.295G>T variant is predicted to result in the amino acid substitution p.Ala99Ser. To our knowledge, this variant has not been reported in the literature. This variant is reported in 0.012% of alleles in individuals of African descent in gnomAD. At this time, the clinical significance of this variant is uncertain due to the absence of conclusive functional and genetic evidence.